The following is an entry in ClinVar:

NM_001242957.3(MAK):c.542T>C (p.Ile181Thr)

Gene: MAK (male germ cell associated kinase; minus strand). Cytogenetic location: 6p24.2.
Variant type: single nucleotide variant.
Coding change: c.542T>C on transcript NM_001242957.3 (MANE Select); coding-DNA position 542, T replaced by C.
Protein change: p.Ile181Thr; replaces isoleucine 181 with threonine.
Molecular consequence: missense variant. On other transcripts: non-coding transcript variant (2).
Genome position (GRCh38, 1-based): chr6:10,803,841, A>G on the plus strand (T>C on the coding strand, the complement: MAK is on the minus strand). VCF-style: chr6-10803841-A-G. GRCh37 (hg19) VCF-style: chr6-10804074-A-G.
Other names: c.542T>C, p.Ile181Thr (NM_001242385.2, NM_005906.6); c.440T>C, p.Ile147Thr (NM_001377262.1); short protein forms I147T, I181T.
Identifiers: ClinVar variation 4291878 (VCV004291878.2).

ClinVar aggregate classification (germline): Uncertain significance. Review status: criteria provided, multiple submitters, no conflicts (2 of 4 stars). 2 submissions from 2 submitters: Uncertain significance (2). Last evaluated 2025-11-07.

Conditions:
Retinitis pigmentosa 62 (RP62). Identifiers: Orphanet 791, MedGen C3280042, MONDO:0013611, OMIM 614181.

gnomAD v4.1: 5 of 1,613,976 alleles (0.00031%); highest among the groups gnomAD compares: African/African-American, 0.0013%; no homozygotes.

Submissions (2):

Women's Health and Genetics/Laboratory Corporation of America, LabCorp
Classification: Uncertain significance. Last evaluated: 2025-11-07. Review status: criteria provided, single submitter. Criteria: LabCorp Variant Classification Summary - May 2015. Collection method: clinical testing. Allele origin: germline.
Comment: Variant summary: MAK c.542T>C (p.Ile181Thr) results in a non-conservative amino acid change in the encoded protein sequence. Algorithms developed to predict the effect of missense changes on protein structure and function are either unavailable or do not agree on the potential impact of this missense change. The variant allele was found at a frequency of 8e-06 in 251434 control chromosomes. c.542T>C has been observed in individuals affected with Retinitis Pigmentosa (Ozgl_2011, van Huet_2015). These data indicate that the variant may be associated with disease. To our knowledge, no experimental evidence demonstrating an impact on protein function has been reported. The following publications have been ascertained in the context of this evaluation (PMID: 31964843, 21835304, 25385675). ClinVar contains an entry for this variant (Variation ID: 4291878). Based on the evidence outlined above, the variant was classified as VUS-possibly pathogenic.

3billion
Classification: Uncertain significance for Retinitis pigmentosa 62. Last evaluated: 2024-11-18. Review status: criteria provided, single submitter. Criteria: ACMG Guidelines, 2015. Collection method: clinical testing. Allele origin: germline. Affected: yes.
Comment: The variant is observed at an extremely low frequency in the gnomAD v4.1.0 dataset (total allele frequency: <0.001%). Predicted Consequence/Location: Missense variant. The majority of the known disease-causing variants of this gene are variants expected to result in premature termination of the protein. In silico tool predictions suggest damaging effect of the variant on gene or gene product [REVEL: 0.77 (>=0.6, sensitivity 0.68 and specificity 0.92); 3Cnet: 0.98 (>=0.6, sensitivity 0.72 and precision 0.9)]. The same nucleotide change resulting in the same amino acid change has been previously reported to be associated with MAK-related disorder (PMID: 21835304). However, the evidence of pathogenicity is insufficient at this time. Therefore, this variant is classified as VUS according to the recommendation of ACMG/AMP guideline.

Literature cited by the submitters: PubMed 31964843 (cited by Women's Health and Genetics/Laboratory Corporation of America, LabCorp); PubMed 21835304 (cited by Women's Health and Genetics/Laboratory Corporation of America, LabCorp and 3billion); PubMed 25385675 (cited by Women's Health and Genetics/Laboratory Corporation of America, LabCorp).